The following is an entry in ClinVar:

NM_002016.2(FLG):c.5139G>A (p.Gly1713=)

Genes: CCDST (cervical cancer associated DHX9 suppressive transcript; plus strand), FLG (filaggrin; minus strand). Cytogenetic location: 1q21.3.
Variant type: single nucleotide variant.
Coding change: c.5139G>A on transcript NM_002016.2 (MANE Select); coding-DNA position 5139, G replaced by A.
Protein change: p.Gly1713=; no amino-acid change (glycine 1713 retained).
Molecular consequence: synonymous variant.
Genome position (GRCh38, 1-based): chr1:152,309,747, C>T on the plus strand (G>A on the coding strand, the complement: FLG is on the minus strand). VCF-style: chr1-152309747-C-T. GRCh37 (hg19) VCF-style: chr1-152282223-C-T.
Identifiers: ClinVar variation 3765575 (VCV003765575.1).
Genomic context (GRCh38, chr1:152,309,747, plus strand): 5'-TGACTGTGTGTCTGACTCTTCTGAGTGTCCCTCGCTGTCACTGGCCTGGCTACCACTGGA[C>T]CCTCGGTTTCCACTGTCTCCGACTACAGATGAATCTTGTCTGCGCCCAGTGCCTGAGTCT-3'
Protein context (NP_002007.1, residues 1703-1723): SSVVGDSGNR[Gly1713=]SSGSQASDSE

ClinVar aggregate classification (germline): Uncertain significance (1 of 4 stars; one submission).

gnomAD v4.1: 59 of 1,613,726 alleles (0.0037%); highest among the groups gnomAD compares: Admixed American, 0.013%; no homozygotes.

Submission:

Greenwood Genetic Center Diagnostic Laboratories, Greenwood Genetic Center
Classification: Uncertain significance. Last evaluated: 2024-08-09. Review status: criteria provided, single submitter. Criteria: ACMG Guidelines, 2015. Collection method: clinical testing. Allele origin: germline. Affected: yes.
Comment: BP4